The following is an entry in ClinVar:

NM_000051.4(ATM):c.3349C>T (p.Gln1117Ter)

Gene: ATM (ATM serine/threonine kinase; plus strand). Cytogenetic location: 11q22.3.
Variant type: single nucleotide variant.
Coding change: c.3349C>T on transcript NM_000051.4 (MANE Select); coding-DNA position 3349, C replaced by T.
Protein change: p.Gln1117Ter; replaces glutamine 1117 with a stop codon.
Molecular consequence: nonsense.
Genome position (GRCh38, 1-based): chr11:108,279,555, C>T. VCF-style: chr11-108279555-C-T. GRCh37 (hg19) VCF-style: chr11-108150282-C-T.
Other names: NM_000051.4(ATM):c.3349C>T; p.Gln1117Ter; c.3349C>T, p.Gln1117Ter (NM_001351834.2); short protein forms Q1117*.
Identifiers: ClinVar variation 185137 (VCV000185137.14), dbSNP rs786201957, ClinGen allele CA191131.

ClinVar aggregate classification (germline): Pathogenic. Review status: reviewed by expert panel (3 of 4 stars). 5 submissions from 5 submitters: Pathogenic (1). 4 of the submissions do not count toward it. Last evaluated 2024-11-26.

Conditions:
ATM-related cancer predisposition. Also called: ATM-related cancer susceptibility. Identifiers: MedGen CN377759, MONDO:0700270.
Hereditary cancer-predisposing syndrome. Also called: Hereditary Cancer Syndrome; Neoplastic Syndromes, Hereditary; Tumor predisposition; Hereditary neoplastic syndrome. Identifiers: Orphanet 140162, MedGen C0027672, MeSH D009386, MONDO:0015356.
Familial cancer of breast. Also called: BREAST CANCER, FAMILIAL; hereditary breast carcinoma; Hereditary breast cancer. Identifiers: Orphanet 227535, MedGen C0346153, MONDO:0016419, OMIM 114480. Disease mechanism: loss of function.
Ataxia-telangiectasia syndrome (AT). Also called: ATAXIA-TELANGIECTASIA, COMPLEMENTATION GROUP A; ATAXIA-TELANGIECTASIA, FRESNO VARIANT; Ataxia-telangiectasia; LOUIS-BAR SYNDROME; Ataxia telangiectasia (A-T); Ataxia-telangiectasia, complementation group D. Identifiers: Orphanet 100, MedGen C0004135, MONDO:0008840, OMIM 208900.

Allele frequency attached by ClinVar (database versions not stated): gnomAD exomes below 0.00001.
gnomAD v4.1: 6 of 1,613,814 alleles (0.00037%); highest among the groups gnomAD compares: Non-Finnish European, 0.00051%; no homozygotes.

Submissions (5):

ClinGen Hereditary Breast, Ovarian and Pancreatic Cancer Variant Curation Expert Panel, ClinGen
Classification: Pathogenic for ATM-related cancer predisposition. Last evaluated: 2024-11-26. Review status: reviewed by expert panel. Criteria: ClinGen HBOP ACMG Specifications ATM V1.3.0. Collection method: curation. Allele origin: germline. Inheritance: Autosomal dominant inheritance.
Comment: The c.3349C>T (p.Gln1117*) variant in ATM is a nonsense variant in a biologically-relevant-exon predicted to cause a premature stop codon leading to nonsense mediated decay in a gene in which loss-of-function is an established disease mechanism. This alteration results in a termination codon upstream of the most C-terminus pathogenic alteration (ATM p.Arg3047*), as classified by the HBOP VCEP, and is expected to be more deleterious. This variant has been detected in at least 1 individual with Ataxia-Telangiectasia (PMID: 26896183). This variant is absent from gnomAD v2.1.1. In summary, this variant meets criteria to be classified as pathogenic for autosomal dominant ATM-related cancer predisposition and autosomal recessive Ataxia-Telangiectasia based on the ACMG/AMP criteria applied, as specified by the HBOP VCEP. (PVS1, PM5_Supporting, PM3, PM2_Supporting)

Molecular Pathology, Peter Maccallum Cancer Centre
Classification: Pathogenic for Ataxia-telangiectasia syndrome. Last evaluated: 2024-06-12. Review status: criteria provided, single submitter. Criteria: ACMG Guidelines, 2015. Collection method: clinical testing. Allele origin: germline. Inheritance: Autosomal recessive inheritance. Not counted in ClinVar's aggregate classification.

Labcorp Genetics (formerly Invitae), Labcorp
Classification: Pathogenic for Ataxia-telangiectasia syndrome. Last evaluated: 2024-04-23. Review status: criteria provided, single submitter. Criteria: Invitae Variant Classification Sherloc (09022015). Collection method: clinical testing. Allele origin: germline. Not counted in ClinVar's aggregate classification.
Comment: This sequence change creates a premature translational stop signal (p.Gln1117*) in the ATM gene. It is expected to result in an absent or disrupted protein product. Loss-of-function variants in ATM are known to be pathogenic (PMID: 23807571, 25614872). This variant is not present in population databases (gnomAD no frequency). This premature translational stop signal has been observed in individual(s) with breast cancer (PMID: 16832357). ClinVar contains an entry for this variant (Variation ID: 185137). Algorithms developed to predict the effect of sequence changes on RNA splicing suggest that this variant may disrupt the consensus splice site. For these reasons, this variant has been classified as Pathogenic.

Myriad Genetics, Inc.
Classification: Pathogenic for Familial cancer of breast. Last evaluated: 2024-01-22. Review status: criteria provided, single submitter. Criteria: Myriad Autosomal Dominant, Autosomal Recessive and X-Linked Classification Criteria (2023). Collection method: clinical testing. Allele origin: unknown. Not counted in ClinVar's aggregate classification.
Comment: This variant is considered pathogenic. This variant creates a termination codon and is predicted to result in premature protein truncation.

Ambry Genetics
Classification: Pathogenic for Hereditary cancer-predisposing syndrome. Last evaluated: 2023-02-09. Review status: criteria provided, single submitter. Criteria: Ambry Variant Classification Scheme 2023. Collection method: clinical testing. Allele origin: germline. Not counted in ClinVar's aggregate classification.
Comment: The p.Q1117* pathogenic mutation (also known as c.3349C>T), located in coding exon 22 of the ATM gene, results from a C to T substitution at nucleotide position 3349. This changes the amino acid from a glutamine to a stop codon within coding exon 22. This alteration is expected to result in loss of function by premature protein truncation or nonsense-mediated mRNA decay. This alteration has also been detected in breast cancer patients and healthy control individuals across numerous large familial studies (Tavtigian S et al. Am J Hum Genet. 2009 Oct;85(4):427-46; Renwick A et al. Nat Genet, 2006 Aug;38:873-5). As such, this alteration is interpreted as a disease-causing mutation.

Literature cited by the submitters: PubMed 23807571 (cited by Labcorp Genetics (formerly Invitae), Labcorp); PubMed 25614872 (cited by Labcorp Genetics (formerly Invitae), Labcorp); PubMed 16832357 (cited by Labcorp Genetics (formerly Invitae), Labcorp and Ambry Genetics).